The following is an entry in ClinVar:

ClinVar aggregate classification (germline): Uncertain significance (1 of 4 stars; one submission).

Submission:

Labcorp Genetics (formerly Invitae), Labcorp
Classification: Uncertain significance. Last evaluated: 2025-04-24. Review status: criteria provided, single submitter. Criteria: Invitae Variant Classification Sherloc (09022015). Collection method: clinical testing. Allele origin: germline.
Comment: This sequence change replaces threonine, which is neutral and polar, with isoleucine, which is neutral and non-polar, at codon 1001 of the ITSN2 protein (p.Thr1001Ile). This variant is not present in population databases (gnomAD no frequency). This variant has not been reported in the literature in individuals affected with ITSN2-related conditions. Experimental studies and prediction algorithms are not available or were not evaluated, and the functional significance of this variant is currently unknown. In summary, the available evidence is currently insufficient to determine the role of this variant in disease. Therefore, it has been classified as a Variant of Uncertain Significance.

NM_006277.3(ITSN2):c.3002C>T (p.Thr1001Ile)

Gene: ITSN2 (intersectin 2; minus strand). Cytogenetic location: 2p23.3.
Variant type: single nucleotide variant.
Coding change: c.3002C>T on transcript NM_006277.3 (MANE Select); coding-DNA position 3002, C replaced by T.
Protein change: p.Thr1001Ile; replaces threonine 1001 with isoleucine.
Molecular consequence: missense variant.
Genome position (GRCh38, 1-based): chr2:24,252,463, G>A on the plus strand (C>T on the coding strand, the complement: ITSN2 is on the minus strand). VCF-style: chr2-24252463-G-A. GRCh37 (hg19) VCF-style: chr2-24475332-G-A.
Other names: c.2960C>T, p.Thr987Ile (NM_001348181.2); c.2882C>T, p.Thr961Ile (NM_001348182.2, NM_001348186.2); c.2921C>T, p.Thr974Ile (NM_001348183.2, NM_019595.4); c.2879C>T, p.Thr960Ile (NM_001348184.2); c.2963C>T, p.Thr988Ile (NM_001348185.2); c.3002C>T, p.Thr1001Ile (NM_147152.3); short protein forms T961I, T1001I, T987I, T974I, T988I, T960I.
Identifiers: ClinVar variation 4718317 (VCV004718317.1).